The following is an entry in ClinVar:

ClinVar aggregate classification (germline): Benign. Review status: criteria provided, multiple submitters, no conflicts (2 of 4 stars). 3 submissions from 3 submitters: Benign (2). 1 of the submissions does not count toward it. Last evaluated 2019-12-31.

Conditions:
ANKK1-related disorder. Also called: ANKK1-related condition.

Allele frequency attached by ClinVar (database versions not stated): gnomAD exomes 0.00067 and 0.00194; ExAC 0.00245; gnomAD 0.00755 and 0.00807; TOPMed 0.00808; ESP Exome Variant Server 0.00829; 1000 Genomes Project 0.00958; 1000 Genomes Project 30x 0.01015.

Submissions (10):

Labcorp Genetics (formerly Invitae), Labcorp
Classification: Benign. Last evaluated: 2019-12-31. Review status: criteria provided, single submitter. Criteria: Invitae Variant Classification Sherloc (09022015). Collection method: clinical testing. Allele origin: germline.

Breakthrough Genomics
Classification: Benign. Review status: criteria provided, single submitter. Criteria: ACMG Guidelines, 2015. Collection method: not provided. Allele origin: germline. Inheritance: Unknown mechanism. Affected: yes.

PreventionGenetics, part of Exact Sciences
Classification: Likely benign for ANKK1-related condition. Last evaluated: 2022-04-06. Review status: no assertion criteria provided. Collection method: clinical testing. Allele origin: germline. Not counted in ClinVar's aggregate classification.
Comment: This variant is classified as likely benign based on ACMG/AMP sequence variant interpretation guidelines (Richards et al. 2015 PMID: 25741868, with internal and published modifications).

Dr. Peter K. Rogan Lab, Western University
No classification provided (evidence only). Condition: Malignant tumor of urinary bladder. Review status: no classification provided. Collection method: in vitro. Allele origin: not applicable. Functional consequence: retained intron. Not counted in ClinVar's aggregate classification.

Dr. Peter K. Rogan Lab, Western University
No classification provided (evidence only). Condition: Clear cell carcinoma of kidney. Review status: no classification provided. Collection method: in vitro. Allele origin: not applicable. Functional consequence: retained intron. Not counted in ClinVar's aggregate classification.

Dr. Peter K. Rogan Lab, Western University
No classification provided (evidence only). Condition: Clear cell carcinoma of kidney. Review status: no classification provided. Collection method: in vitro. Allele origin: not applicable. Functional consequence: retained intron. Not counted in ClinVar's aggregate classification.

Dr. Peter K. Rogan Lab, Western University
No classification provided (evidence only). Condition: Clear cell carcinoma of kidney. Review status: no classification provided. Collection method: in vitro. Allele origin: not applicable. Functional consequence: retained intron. Not counted in ClinVar's aggregate classification.

Dr. Peter K. Rogan Lab, Western University
No classification provided (evidence only). Condition: Familial cancer of breast. Review status: no classification provided. Collection method: in vitro. Allele origin: not applicable. Functional consequence: retained intron. Not counted in ClinVar's aggregate classification.

Dr. Peter K. Rogan Lab, Western University
No classification provided (evidence only). Condition: Uterine corpus endometrial carcinoma. Review status: no classification provided. Collection method: in vitro. Allele origin: not applicable. Functional consequence: retained intron. Not counted in ClinVar's aggregate classification.

Dr. Peter K. Rogan Lab, Western University
No classification provided (evidence only). Condition: Cervical cancer. Review status: no classification provided. Collection method: in vitro. Allele origin: not applicable. Functional consequence: retained intron. Not counted in ClinVar's aggregate classification.

NM_178510.2(ANKK1):c.633-1G>T

Gene: ANKK1 (ankyrin repeat and kinase domain containing 1; plus strand). Cytogenetic location: 11q23.2.
Variant type: single nucleotide variant.
Coding change: c.633-1G>T on transcript NM_178510.2 (MANE Select); the canonical splice acceptor site of the intron before coding-DNA position 633, G replaced by T.
Molecular consequence: splice acceptor variant.
Genome position (GRCh38, 1-based): chr11:113,395,358, G>T. VCF-style: chr11-113395358-G-T. GRCh37 (hg19) VCF-style: chr11-113266080-G-T.
Other names: NC_000011.9:g.113266080G>T.
Identifiers: ClinVar variation 783648 (VCV000783648.8), dbSNP rs139841238, ClinGen allele CA6280674.
Genomic context (GRCh38, chr11:113,395,358, plus strand): 5'-GGGCTGGGGTGATCTTGGATGTTCAACTAAGTCATTCAGAAAGGGTTCTCTGCATCCACA[G>T]CTTTGCAATTGTCATCTGGGAGCTACTCACTCAGAAGAAACCATACTCAGGTAAGCAGGC-3'